The following is an entry in ClinVar:

ClinVar aggregate classification (germline): Uncertain significance (1 of 4 stars; one submission).

Conditions:
Progressive sclerosing poliodystrophy (MTDPS4A). Also called: ALPERS PROGRESSIVE INFANTILE POLIODYSTROPHY; NEURONAL DEGENERATION OF CHILDHOOD WITH LIVER DISEASE, PROGRESSIVE; Alpers Syndrome; ALPERS DIFFUSE DEGENERATION OF CEREBRAL GRAY MATTER WITH HEPATIC CIRRHOSIS; Alpers-Huttenlocher Syndrome; Mitochondrial DNA depletion syndrome 4A (Alpers type). Identifiers: Orphanet 726, MedGen C0205710, MONDO:0008758, OMIM 203700.

Submission:

Labcorp Genetics (formerly Invitae), Labcorp
Classification: Uncertain significance for Progressive sclerosing poliodystrophy. Last evaluated: 2021-10-04. Review status: criteria provided, single submitter. Criteria: Invitae Variant Classification Sherloc (09022015). Collection method: clinical testing. Allele origin: germline.
Comment: This sequence change replaces leucine with valine at codon 1231 of the POLG protein (p.Leu1231Val). The leucine residue is highly conserved and there is a small physicochemical difference between leucine and valine. This variant is not present in population databases (ExAC no frequency). This variant has not been reported in the literature in individuals affected with POLG-related conditions. Algorithms developed to predict the effect of missense changes on protein structure and function are either unavailable or do not agree on the potential impact of this missense change (SIFT: "Tolerated"; PolyPhen-2: "Probably Damaging"; Align-GVGD: "Class C0"). In summary, the available evidence is currently insufficient to determine the role of this variant in disease. Therefore, it has been classified as a Variant of Uncertain Significance.

NM_002693.3(POLG):c.3691T>G (p.Leu1231Val)

Genes: FANCI (FA complementation group I; plus strand), POLG (DNA polymerase gamma, catalytic subunit; minus strand). Cytogenetic location: 15q26.1.
Variant type: single nucleotide variant.
Coding change: c.3691T>G on transcript NM_002693.3 (MANE Select); coding-DNA position 3691, T replaced by G.
Protein change: p.Leu1231Val; replaces leucine 1231 with valine.
Molecular consequence: missense variant. On other transcripts: 3 prime UTR variant (4).
Genome position (GRCh38, 1-based): chr15:89,316,780, A>C on the plus strand (T>G on the coding strand, the complement: POLG is on the minus strand). VCF-style: chr15-89316780-A-C. GRCh37 (hg19) VCF-style: chr15-89860011-A-C.
Other names: c.3691T>G, p.Leu1231Val (NM_001126131.2); c.*321A>C (NM_001113378.2, NM_001376910.1, NM_001376911.1 and 1 more transcripts); short protein forms L1231V.
Identifiers: ClinVar variation 1419036 (VCV001419036.3), dbSNP rs941120370, ClinGen allele CA393746883.